The following is an entry in ClinVar:

NM_004183.4(BEST1):c.1699C>T (p.Leu567Phe)

Gene: BEST1 (bestrophin 1; plus strand). Cytogenetic location: 11q12.3.
Variant type: single nucleotide variant.
Coding change: c.1699C>T on transcript NM_004183.4 (MANE Select); coding-DNA position 1699, C replaced by T.
Protein change: p.Leu567Phe; replaces leucine 567 with phenylalanine.
Molecular consequence: missense variant. On other transcripts: non-coding transcript variant (1).
Genome position (GRCh38, 1-based): chr11:61,962,853, C>T. VCF-style: chr11-61962853-C-T. GRCh37 (hg19) VCF-style: chr11-61730325-C-T.
Other names: c.1519C>T, p.Leu507Phe (NM_001139443.3, NM_001300787.2); c.1438C>T, p.Leu480Phe (NM_001300786.2); c.1381C>T, p.Leu461Phe (NM_001363591.3); c.*594C>T (NM_001363592.2); c.727C>T, p.Leu243Phe (NM_001363593.3); short protein forms L567F, L461F, L480F, L507F, L243F.
Identifiers: ClinVar variation 99686 (VCV000099686.58), dbSNP rs148060787, ClinGen allele CA227734.

ClinVar aggregate classification (germline): Likely benign. Review status: criteria provided, multiple submitters, no conflicts (2 of 4 stars). 6 submissions from 6 submitters: Likely benign (5). 1 of the submissions does not count toward it. Last evaluated 2026-09-01.

Conditions:
Retinitis pigmentosa (RP). Identifiers: Orphanet 791, MedGen C0035334, MeSH D012174, MONDO:0019200, OMIM 268000. Inheritance: Autosomal dominant, autosomal recessive and X linked inheritance.

Allele frequency attached by ClinVar (database versions not stated): 1000 Genomes Project 30x 0.00016; 1000 Genomes Project 0.00020; gnomAD 0.00043 and 0.00046; gnomAD exomes 0.00044 and 0.00047; ESP Exome Variant Server 0.00046; ExAC 0.00049; TOPMed 0.00055.
gnomAD v4.1: 759 of 1,614,206 alleles (0.047%); highest among the groups gnomAD compares: Middle Eastern, 0.25%; 2 homozygotes.

Submissions (6):

CeGaT Center for Human Genetics Tuebingen
Classification: Likely benign. Last evaluated: 2026-09-01. Review status: criteria provided, single submitter. Criteria: CeGaT Center For Human Genetics Tuebingen Variant Classification Criteria Version 2. Collection method: clinical testing. Allele origin: germline. Affected: yes. Observed: 2 variant alleles.
Comment: BEST1: BS3:Supporting

Labcorp Genetics (formerly Invitae), Labcorp
Classification: Likely benign. Last evaluated: 2026-02-01. Review status: criteria provided, single submitter. Criteria: Invitae Variant Classification Sherloc (09022015). Collection method: clinical testing. Allele origin: germline.

Blueprint Genetics
Classification: Likely benign. Last evaluated: 2024-11-27. Review status: criteria provided, single submitter. Criteria: ACMG Guidelines, 2015. Collection method: clinical testing. Allele origin: germline.

Illumina Laboratory Services, Illumina
Classification: Likely benign for Retinitis pigmentosa. Last evaluated: 2017-04-28. Review status: criteria provided, single submitter. Criteria: ICSL Variant Classification Criteria 13 December 2019. Collection method: clinical testing. Allele origin: germline.
Comment: This variant was observed as part of a predisposition screen in an ostensibly healthy population. A literature search was performed for the gene, cDNA change, and amino acid change (where applicable). No publications were found based on this search. Allele frequency data from public databases allowed determination this variant is unlikely to cause disease. Therefore, this variant is classified as likely benign.

Breakthrough Genomics
Classification: Likely benign. Review status: criteria provided, single submitter. Criteria: ACMG Guidelines, 2015. Collection method: not provided. Allele origin: germline. Inheritance: Autosomal dominant inheritance. Affected: yes.

Retina International
No classification provided. Review status: no classification provided. Collection method: not provided. Allele origin: not provided. Not counted in ClinVar's aggregate classification.